The following is an entry in ClinVar:

NM_001376.5(DYNC1H1):c.9643-5T>C

Gene: DYNC1H1 (dynein cytoplasmic 1 heavy chain 1; plus strand). Cytogenetic location: 14q32.31.
Variant type: single nucleotide variant.
Coding change: c.9643-5T>C on transcript NM_001376.5 (MANE Select); 5 bases into the intron before coding-DNA position 9643, T replaced by C.
Molecular consequence: intron variant.
Genome position (GRCh38, 1-based): chr14:102,029,814, T>C. VCF-style: chr14-102029814-T-C. GRCh37 (hg19) VCF-style: chr14-102496151-T-C.
Identifiers: ClinVar variation 387232 (VCV000387232.4), dbSNP rs1057522736, ClinGen allele CA16607543.

ClinVar aggregate classification (germline): Likely benign. Review status: criteria provided, multiple submitters, no conflicts (2 of 4 stars). 2 submissions from 2 submitters: Likely benign (2). Last evaluated 2023-04-22.

Conditions:
Charcot-Marie-Tooth disease axonal type 2O. Also called: CHARCOT-MARIE-TOOTH NEUROPATHY, AXONAL, TYPE 2O; CHARCOT-MARIE-TOOTH DISEASE, AXONAL, AUTOSOMAL DOMINANT, TYPE 2O; Charcot-Marie-Tooth Neuropathy Type 2O; Charcot-Marie-Tooth disease, axonal, type 20. Identifiers: Orphanet 284232, MedGen C3280220, MONDO:0013644, OMIM 614228.

Allele frequency attached by ClinVar (database versions not stated): gnomAD exomes below 0.00001.
gnomAD v4.1: 1 of 1,614,166 alleles (0.000062%); highest among the groups gnomAD compares: Non-Finnish European, 0.000085%; no homozygotes.

Submissions (2):

Labcorp Genetics (formerly Invitae), Labcorp
Classification: Likely benign for Charcot-Marie-Tooth disease axonal type 2O. Last evaluated: 2023-04-22. Review status: criteria provided, single submitter. Criteria: Invitae Variant Classification Sherloc (09022015). Collection method: clinical testing. Allele origin: germline.

GeneDx
Classification: Likely benign. Last evaluated: 2017-01-10. Review status: criteria provided, single submitter. Criteria: GeneDx Variant Classification (06012015). Collection method: clinical testing. Allele origin: germline. Affected: yes.
Comment: This variant is considered likely benign or benign based on one or more of the following criteria: it is a conservative change, it occurs at a poorly conserved position in the protein, it is predicted to be benign by multiple in silico algorithms, and/or has population frequency not consistent with disease.